The following is an entry in ClinVar:

NM_006030.4(CACNA2D2):c.3011G>A (p.Ser1004Asn)

Genes: CACNA2D2 (calcium voltage-gated channel auxiliary subunit alpha2delta 2; minus strand), LOC101928965 (uncharacterized LOC101928965; plus strand), LOC127898564 (CYB561D2-LOC101928965; plus strand). Cytogenetic location: 3p21.31.
Variant type: single nucleotide variant.
Coding change: c.3011G>A on transcript NM_006030.4 (MANE Select); coding-DNA position 3011, G replaced by A.
Protein change: p.Ser1004Asn; replaces serine 1004 with asparagine.
Molecular consequence: missense variant. On other transcripts: non-coding transcript variant (2).
Genome position (GRCh38, 1-based): chr3:50,365,443, C>T on the plus strand (G>A on the coding strand, the complement: CACNA2D2 is on the minus strand). VCF-style: chr3-50365443-C-T. GRCh37 (hg19) VCF-style: chr3-50402874-C-T.
Other names: c.3011G>A, p.Ser1004Asn (NM_001005505.3); c.3032G>A, p.Ser1011Asn (NM_001174051.3); c.2804G>A, p.Ser935Asn (NM_001291101.1); short protein forms S1004N, S1011N, S935N.
Identifiers: ClinVar variation 1419067 (VCV001419067.9), dbSNP rs2109398960, ClinGen allele CA352901347.

ClinVar aggregate classification (germline): Uncertain significance (1 of 4 stars; one submission).

Conditions:
Early-infantile DEE. Also called: Early infantile epileptic encephalopathy; Ohtahara syndrome; Early infantile epileptic encephalopathy with suppression bursts. Identifiers: Orphanet 1934, MedGen C0393706, MONDO:0800491.

Submission:

Labcorp Genetics (formerly Invitae), Labcorp
Classification: Uncertain significance for Early-infantile DEE. Last evaluated: 2022-03-19. Review status: criteria provided, single submitter. Criteria: Invitae Variant Classification Sherloc (09022015). Collection method: clinical testing. Allele origin: germline.
Comment: This variant has not been reported in the literature in individuals affected with CACNA2D2-related conditions. In summary, the available evidence is currently insufficient to determine the role of this variant in disease. Therefore, it has been classified as a Variant of Uncertain Significance. Algorithms developed to predict the effect of missense changes on protein structure and function (SIFT, PolyPhen-2, Align-GVGD) all suggest that this variant is likely to be tolerated. This variant is not present in population databases (gnomAD no frequency). This sequence change replaces serine, which is neutral and polar, with asparagine, which is neutral and polar, at codon 1004 of the CACNA2D2 protein (p.Ser1004Asn).